The following is an entry in ClinVar:

NM_000245.4(MET):c.2252A>G (p.Lys751Arg)

Gene: MET (MET proto-oncogene, receptor tyrosine kinase; plus strand). Cytogenetic location: 7q31.2.
Variant type: single nucleotide variant.
Coding change: c.2252A>G on transcript NM_000245.4 (MANE Select); coding-DNA position 2252, A replaced by G.
Protein change: p.Lys751Arg; replaces lysine 751 with arginine.
Molecular consequence: missense variant.
Genome position (GRCh38, 1-based): chr7:116,758,608, A>G. VCF-style: chr7-116758608-A-G. GRCh37 (hg19) VCF-style: chr7-116398662-A-G.
Other names: c.2252A>G, p.Lys751Arg (NM_001127500.3, NM_001324401.3); c.962A>G, p.Lys321Arg (NM_001324402.2); short protein forms K751R, K321R.
Identifiers: ClinVar variation 1788453 (VCV001788453.2), dbSNP rs2485721767, ClinGen allele CA368980875.

ClinVar aggregate classification (germline): Uncertain significance (1 of 4 stars; one submission).

Conditions:
Hereditary cancer-predisposing syndrome. Also called: Neoplastic Syndromes, Hereditary; Tumor predisposition; Hereditary Cancer Syndrome; Hereditary neoplastic syndrome. Identifiers: Orphanet 140162, MedGen C0027672, MeSH D009386, MONDO:0015356.

Submission:

Ambry Genetics
Classification: Uncertain significance for Hereditary cancer-predisposing syndrome. Last evaluated: 2021-10-27. Review status: criteria provided, single submitter. Criteria: Ambry Variant Classification Scheme 2023. Collection method: clinical testing. Allele origin: germline.
Comment: The p.K751R variant (also known as c.2252A>G), located in coding exon 8 of the MET gene, results from an A to G substitution at nucleotide position 2252. The lysine at codon 751 is replaced by arginine, an amino acid with highly similar properties. This amino acid position is highly conserved in available vertebrate species. In addition, this alteration is predicted to be tolerated by in silico analysis. Since supporting evidence is limited at this time, the clinical significance of this alteration remains unclear.